The following is an entry in ClinVar:

ClinVar aggregate classification (germline): Uncertain significance. Review status: criteria provided, multiple submitters, no conflicts (2 of 4 stars). 2 submissions from 2 submitters: Uncertain significance (2). Last evaluated 2023-11-21.

Conditions:
Long QT syndrome (LQTS). Identifiers: MedGen C0023976, MeSH D008133, MONDO:0002442. Disease mechanism: loss of function. Inheritance: Various modes of inheritance.

Allele frequency attached by ClinVar (database versions not stated): gnomAD 0.00001; gnomAD exomes 0.00001; TOPMed 0.00001.
gnomAD v4.1: 22 of 1,597,320 alleles (0.0014%); highest among the groups gnomAD compares: Non-Finnish European, 0.0019%; no homozygotes.

Submissions (2):

Labcorp Genetics (formerly Invitae), Labcorp
Classification: Uncertain significance for Long QT syndrome. Last evaluated: 2023-11-21. Review status: criteria provided, single submitter. Criteria: Invitae Variant Classification Sherloc (09022015). Collection method: clinical testing. Allele origin: germline.
Comment: This sequence change replaces arginine, which is basic and polar, with cysteine, which is neutral and slightly polar, at codon 90 of the KCNQ1 protein (p.Arg90Cys). This variant is not present in population databases (gnomAD no frequency). This variant has not been reported in the literature in individuals affected with KCNQ1-related conditions. ClinVar contains an entry for this variant (Variation ID: 1707106). Advanced modeling of protein sequence and biophysical properties (such as structural, functional, and spatial information, amino acid conservation, physicochemical variation, residue mobility, and thermodynamic stability) performed at Invitae indicates that this missense variant is expected to disrupt KCNQ1 protein function with a positive predictive value of 95%. In summary, the available evidence is currently insufficient to determine the role of this variant in disease. Therefore, it has been classified as a Variant of Uncertain Significance.

GeneDx
Classification: Uncertain significance. Last evaluated: 2022-03-22. Review status: criteria provided, single submitter. Criteria: GeneDx Variant Classification Process June 2021. Collection method: clinical testing. Allele origin: germline. Affected: yes.
Comment: Has not been previously published as pathogenic or benign to our knowledge; Not observed at significant frequency in large population cohorts (gnomAD); In silico analysis supports that this missense variant does not alter protein structure/function

NM_000218.3(KCNQ1):c.268C>T (p.Arg90Cys)

Gene: KCNQ1 (potassium voltage-gated channel subfamily Q member 1; plus strand). Cytogenetic location: 11p15.5.
Variant type: single nucleotide variant.
Coding change: c.268C>T on transcript NM_000218.3 (MANE Select); coding-DNA position 268, C replaced by T.
Protein change: p.Arg90Cys; replaces arginine 90 with cysteine.
Molecular consequence: missense variant.
Genome position (GRCh38, 1-based): chr11:2,445,366, C>T. VCF-style: chr11-2445366-C-T. GRCh37 (hg19) VCF-style: chr11-2466596-C-T.
Other names: c.268C>T, p.Arg90Cys (NM_001406836.1, NM_001406838.1); c.-95C>T (NM_001406837.1); short protein forms R90C.
Identifiers: ClinVar variation 1707106 (VCV001707106.4), dbSNP rs1440163024, ClinGen allele CA379117098.